The following is an entry in ClinVar:

ClinVar aggregate classification (germline): Conflicting classifications of pathogenicity. Review status: criteria provided, conflicting classifications (1 of 4 stars). 2 submissions from 2 submitters: Uncertain significance (1); Likely benign (1). Last evaluated 2022-10-24.

Conditions:
Inborn genetic diseases. Identifiers: MedGen C0950123, MeSH D030342.

Allele frequency attached by ClinVar (database versions not stated): gnomAD exomes 0.00001; ExAC 0.00002; gnomAD 0.00002; TOPMed 0.00003; ESP Exome Variant Server 0.00008.
gnomAD v4.1: 27 of 1,613,744 alleles (0.0017%); highest among the groups gnomAD compares: Admixed American, 0.0033%; no homozygotes.

Submissions (2):

Labcorp Genetics (formerly Invitae), Labcorp
Classification: Uncertain significance. Last evaluated: 2022-10-24. Review status: criteria provided, single submitter. Criteria: Invitae Variant Classification Sherloc (09022015). Collection method: clinical testing. Allele origin: germline.
Comment: This sequence change replaces arginine, which is basic and polar, with glutamine, which is neutral and polar, at codon 256 of the SCO2 protein (p.Arg256Gln). This variant is present in population databases (rs370450171, gnomAD 0.009%). This variant has not been reported in the literature in individuals affected with SCO2-related conditions. Advanced modeling of protein sequence and biophysical properties (such as structural, functional, and spatial information, amino acid conservation, physicochemical variation, residue mobility, and thermodynamic stability) performed at Invitae indicates that this missense variant is not expected to disrupt SCO2 protein function. In summary, the available evidence is currently insufficient to determine the role of this variant in disease. Therefore, it has been classified as a Variant of Uncertain Significance.

Ambry Genetics
Classification: Likely benign for Inborn genetic diseases. Last evaluated: 2021-11-29. Review status: criteria provided, single submitter. Criteria: Ambry Variant Classification Scheme 2023. Collection method: clinical testing. Allele origin: germline.

NM_005138.3(SCO2):c.767G>A (p.Arg256Gln)

Genes: NCAPH2 (non-SMC condensin II complex subunit H2; plus strand), SCO2 (synthesis of cytochrome C oxidase 2; minus strand). Cytogenetic location: 22q13.33.
Variant type: single nucleotide variant.
Coding change: c.767G>A on transcript NM_005138.3 (MANE Select); coding-DNA position 767, G replaced by A.
Protein change: p.Arg256Gln; replaces arginine 256 with glutamine.
Molecular consequence: missense variant. On other transcripts: 3 prime UTR variant (2).
Genome position (GRCh38, 1-based): chr22:50,523,645, C>T on the plus strand (G>A on the coding strand, the complement: SCO2 is on the minus strand). VCF-style: chr22-50523645-C-T. GRCh37 (hg19) VCF-style: chr22-50962074-C-T.
Other names: c.*270C>T (NM_001185011.2, NM_152299.4); c.767G>A, p.Arg256Gln (NM_001169109.2, NM_001169110.1, NM_001169111.2); short protein forms R256Q.
Identifiers: ClinVar variation 2041236 (VCV002041236.2), dbSNP rs370450171, ClinGen allele CA10321110.